The following is an entry in ClinVar:

NM_006031.6(PCNT):c.7024+1G>C

Gene: PCNT (pericentrin; plus strand). Cytogenetic location: 21q22.3.
Variant type: single nucleotide variant.
Coding change: c.7024+1G>C on transcript NM_006031.6 (MANE Select); the canonical splice donor site of the intron after coding-DNA position 7024, G replaced by C.
Molecular consequence: splice donor variant.
Genome position (GRCh38, 1-based): chr21:46,418,307, G>C. VCF-style: chr21-46418307-G-C. GRCh37 (hg19) VCF-style: chr21-47838221-G-C.
Other names: c.6670+1G>C (NM_001315529.2); c.7024+1G>C (NM_006031.5).
Identifiers: ClinVar variation 1918773 (VCV001918773.7), dbSNP rs774148938, ClinGen allele CA410566418.

ClinVar aggregate classification (germline): Likely pathogenic. Review status: criteria provided, multiple submitters, no conflicts (2 of 4 stars). 3 submissions from 3 submitters: Likely pathogenic (2). 1 of the submissions does not count toward it. Last evaluated 2024-08-30.

Conditions:
Microcephalic osteodysplastic primordial dwarfism type II (MOPD2). Also called: Microcephalic osteodysplastic primordial dwarfism with tooth abnormalities; MOPD II; OSTEODYSPLASTIC PRIMORDIAL DWARFISM, TYPE II. Identifiers: Orphanet 2637, MedGen C0432246, MONDO:0008872, OMIM 210720.
PCNT-related disorder. Also called: PCNT-related condition.

gnomAD v4.1: 5 of 1,516,894 alleles (0.00033%); highest among the groups gnomAD compares: Non-Finnish European, 0.00046%; no homozygotes.

Submissions (3):

Labcorp Genetics (formerly Invitae), Labcorp
Classification: Likely pathogenic. Last evaluated: 2024-08-30. Review status: criteria provided, single submitter. Criteria: Invitae Variant Classification Sherloc (09022015). Collection method: clinical testing. Allele origin: germline.
Comment: This sequence change affects a donor splice site in intron 31 of the PCNT gene. It is expected to disrupt RNA splicing. Variants that disrupt the donor or acceptor splice site typically lead to a loss of protein function (PMID: 16199547), and loss-of-function variants in PCNT are known to be pathogenic (PMID: 18174396, 22821869). This variant is not present in population databases (gnomAD no frequency). This variant has not been reported in the literature in individuals affected with PCNT-related conditions. ClinVar contains an entry for this variant (Variation ID: 1918773). Algorithms developed to predict the effect of sequence changes on RNA splicing suggest that this variant may disrupt the consensus splice site. In summary, the currently available evidence indicates that the variant is pathogenic, but additional data are needed to prove that conclusively. Therefore, this variant has been classified as Likely Pathogenic.

Fulgent Genetics
Classification: Likely pathogenic for Microcephalic osteodysplastic primordial dwarfism type II. Last evaluated: 2024-01-24. Review status: criteria provided, single submitter. Criteria: ACMG Guidelines, 2015. Collection method: clinical testing. Allele origin: germline.

PreventionGenetics, part of Exact Sciences
Classification: Likely pathogenic for PCNT-related condition. Last evaluated: 2024-07-08. Review status: no assertion criteria provided. Collection method: clinical testing. Allele origin: germline. Not counted in ClinVar's aggregate classification.
Comment: The PCNT c.7024+1G>C variant is predicted to disrupt the GT donor site and interfere with normal splicing. To our knowledge, this variant has not been reported in the literature or in a large population database, indicating this variant is rare. Variants that disrupt the consensus splice donor site in PCNT are expected to be pathogenic. This variant is interpreted as likely pathogenic.

Literature cited by the submitters: PubMed 16199547 (cited by Labcorp Genetics (formerly Invitae), Labcorp); PubMed 18174396 (cited by Labcorp Genetics (formerly Invitae), Labcorp); PubMed 22821869 (cited by Labcorp Genetics (formerly Invitae), Labcorp).